The following is an entry in ClinVar:

ClinVar aggregate classification (germline): Uncertain significance (1 of 4 stars; one submission).

Conditions:
Spinocerebellar ataxia type 13 (SCA13). Also called: Spinocerebellar Ataxia Type13. Identifiers: Orphanet 98768, MedGen C1854488, MONDO:0011529, OMIM 605259.

Submission:

OLLIN Analises Genomicas, OLLIN
Classification: Uncertain significance for Spinocerebellar ataxia type 13. Last evaluated: 2026-08-06. Review status: criteria provided, single submitter. Criteria: ACMG Guidelines 2015 PMID 25741868. Collection method: clinical testing. Allele origin: germline. Inheritance: Autosomal dominant inheritance.
Comment: This missense variant, located in exon 1 (of 5), is absent from gnomAD and ClinVar and has not been identified in the literature. In silico analysis is inconclusive regarding the impact of this variant. This gene is constrained for missense variation. According to the currently available evidence, this variant has been classified as uncertain significance (PM2_P, PP2).

NM_004977.3(KCNC3):c.779G>A (p.Gly260Asp)

Genes: KCNC3 (potassium voltage-gated channel subfamily C member 3; minus strand), LOC130064972 (ATAC-STARR-seq lymphoblastoid silent region 10954; plus strand). Cytogenetic location: 19q13.33.
Variant type: single nucleotide variant.
Coding change: c.779G>A on transcript NM_004977.3 (MANE Select); coding-DNA position 779, G replaced by A.
Protein change: p.Gly260Asp; replaces glycine 260 with aspartic acid.
Molecular consequence: missense variant.
Genome position (GRCh38, 1-based): chr19:50,328,304, C>T on the plus strand (G>A on the coding strand, the complement: KCNC3 is on the minus strand). VCF-style: chr19-50328304-C-T. GRCh37 (hg19) VCF-style: chr19-50831561-C-T.
Other names: c.551G>A, p.Gly184Asp (NM_001372305.1); short protein forms G184D, G260D.
Identifiers: ClinVar variation 5002779 (VCV005002779.1).